The following is an entry in ClinVar:

NM_017947.4(MOCOS):c.1539A>G (p.Ala513=)

Gene: MOCOS (molybdenum cofactor sulfurase; plus strand). Cytogenetic location: 18q12.2.
Variant type: single nucleotide variant.
Coding change: c.1539A>G on transcript NM_017947.4 (MANE Select); coding-DNA position 1539, A replaced by G.
Protein change: p.Ala513=; no amino-acid change (alanine 513 retained).
Molecular consequence: synonymous variant.
Genome position (GRCh38, 1-based): chr18:36,215,719, A>G. VCF-style: chr18-36215719-A-G. GRCh37 (hg19) VCF-style: chr18-33795682-A-G.
Identifiers: ClinVar variation 779670 (VCV000779670.14), dbSNP rs76486529, ClinGen allele CA8940764.

ClinVar aggregate classification (germline): Benign/Likely benign. Review status: criteria provided, multiple submitters, no conflicts (2 of 4 stars). 5 submissions from 5 submitters: Benign (2); Likely benign (3). Last evaluated 2026-07-23.

Conditions:
MOCOS-related disorder. Also called: MOCOS-related condition.
Xanthinuria type II. Also called: Xanthine dehydrogenase and aldehyde oxidase combined deficiency of; XDH and AOX dual deficiency. Identifiers: Orphanet 3467, Orphanet 93602, MedGen C1863688, MONDO:0011346, OMIM 603592.

Allele frequency attached by ClinVar (database versions not stated): gnomAD 0.00309 and 0.00290; TOPMed 0.00315; ESP Exome Variant Server 0.00384; 1000 Genomes Project 30x 0.00453; 1000 Genomes Project 0.00459; gnomAD exomes 0.00030 and 0.00077; ExAC 0.00094.
gnomAD v4.1: 920 of 1,614,204 alleles (0.057%); highest among the groups gnomAD compares: African/African-American, 1.1%; 8 homozygotes.

Submissions (5):

PreventionGenetics, part of Exact Sciences
Classification: Likely benign for MOCOS-related condition. Last evaluated: 2026-07-23. Review status: criteria provided, single submitter. Criteria: ACMG Guidelines, 2015. Collection method: clinical testing. Allele origin: germline.
Comment: This variant is classified as likely benign based on ACMG/AMP sequence variant interpretation guidelines (Richards et al. 2015 PMID: 25741868, with internal and published modifications).

Labcorp Genetics (formerly Invitae), Labcorp
Classification: Benign for Xanthinuria type II. Last evaluated: 2025-10-12. Review status: criteria provided, single submitter. Criteria: Invitae Variant Classification Sherloc (09022015). Collection method: clinical testing. Allele origin: germline.

Blueprint Genetics
Classification: Likely benign. Last evaluated: 2024-10-18. Review status: criteria provided, single submitter. Criteria: ACMG Guidelines, 2015. Collection method: clinical testing. Allele origin: germline.

Fulgent Genetics
Classification: Likely benign for Xanthinuria type II. Last evaluated: 2021-08-12. Review status: criteria provided, single submitter. Criteria: ACMG Guidelines, 2015. Collection method: clinical testing. Allele origin: unknown.

Breakthrough Genomics
Classification: Benign. Review status: criteria provided, single submitter. Criteria: ACMG Guidelines, 2015. Collection method: not provided. Allele origin: germline. Inheritance: Autosomal recessive inheritance. Affected: yes.